The following is an entry in ClinVar:

NM_182641.4(BPTF):c.6113A>G (p.Asn2038Ser)

Gene: BPTF (bromodomain PHD finger transcription factor; plus strand). Cytogenetic location: 17q24.2.
Variant type: single nucleotide variant.
Coding change: c.6113A>G on transcript NM_182641.4 (MANE Select); coding-DNA position 6113, A replaced by G.
Protein change: p.Asn2038Ser; replaces asparagine 2038 with serine.
Molecular consequence: missense variant.
Genome position (GRCh38, 1-based): chr17:67,929,450, A>G. VCF-style: chr17-67929450-A-G. GRCh37 (hg19) VCF-style: chr17-65925566-A-G.
Other names: c.6491A>G, p.Asn2164Ser (NM_004459.7); short protein forms N2038S, N2164S.
Identifiers: ClinVar variation 2131554 (VCV002131554.4), dbSNP rs1204427679, ClinGen allele CA400717619.

ClinVar aggregate classification (germline): Uncertain significance (1 of 4 stars; one submission).

Allele frequency attached by ClinVar (database versions not stated): TOPMed below 0.00001; gnomAD 0.00001.
gnomAD v4.1: 1 of 1,614,058 alleles (0.000062%); highest among the groups gnomAD compares: East Asian, 0.0022%; no homozygotes.

Submission:

Labcorp Genetics (formerly Invitae), Labcorp
Classification: Uncertain significance. Last evaluated: 2022-04-28. Review status: criteria provided, single submitter. Criteria: Invitae Variant Classification Sherloc (09022015). Collection method: clinical testing. Allele origin: germline.
Comment: This variant is not present in population databases (gnomAD no frequency). This variant has not been reported in the literature in individuals affected with BPTF-related conditions. Algorithms developed to predict the effect of missense changes on protein structure and function are either unavailable or do not agree on the potential impact of this missense change (SIFT: "Tolerated"; PolyPhen-2: "Probably Damaging"; Align-GVGD: "Class C0"). In summary, the available evidence is currently insufficient to determine the role of this variant in disease. Therefore, it has been classified as a Variant of Uncertain Significance. This sequence change replaces asparagine, which is neutral and polar, with serine, which is neutral and polar, at codon 2164 of the BPTF protein (p.Asn2164Ser).